The following is an entry in ClinVar:

ClinVar aggregate classification (germline): Uncertain significance (1 of 4 stars; one submission).

Conditions:
Amyotrophic lateral sclerosis type 15. Also called: AMYOTROPHIC LATERAL SCLEROSIS 15 WITH FRONTOTEMPORAL DEMENTIA. Identifiers: Orphanet 803, MedGen C3275459, MONDO:0010459, OMIM 300857.

gnomAD v4.1: 5 of 1,198,865 alleles (0.00042%); highest among the groups gnomAD compares: Admixed American, 0.0045%; no homozygotes.

Submission:

Labcorp Genetics (formerly Invitae), Labcorp
Classification: Uncertain significance for Amyotrophic lateral sclerosis type 15. Last evaluated: 2025-04-11. Review status: criteria provided, single submitter. Criteria: Invitae Variant Classification Sherloc (09022015). Collection method: clinical testing. Allele origin: germline.
Comment: This sequence change replaces alanine, which is neutral and non-polar, with valine, which is neutral and non-polar, at codon 60 of the UBQLN2 protein (p.Ala60Val). The frequency data for this variant in the population databases is considered unreliable, as metrics indicate poor data quality at this position in the gnomAD database. This variant has not been reported in the literature in individuals affected with UBQLN2-related conditions. Invitae Evidence Modeling of protein sequence and biophysical properties (such as structural, functional, and spatial information, amino acid conservation, physicochemical variation, residue mobility, and thermodynamic stability) indicates that this missense variant is not expected to disrupt UBQLN2 protein function with a negative predictive value of 80%. In summary, the available evidence is currently insufficient to determine the role of this variant in disease. Therefore, it has been classified as a Variant of Uncertain Significance.

NM_013444.4(UBQLN2):c.179C>T (p.Ala60Val)

Gene: UBQLN2 (ubiquilin 2; plus strand). Cytogenetic location: Xp11.21.
Variant type: single nucleotide variant.
Coding change: c.179C>T on transcript NM_013444.4 (MANE Select); coding-DNA position 179, C replaced by T.
Protein change: p.Ala60Val; replaces alanine 60 with valine.
Molecular consequence: missense variant.
Genome position (GRCh38, 1-based): chrX:56,564,052, C>T. VCF-style: chrX-56564052-C-T. GRCh37 (hg19) VCF-style: chrX-56590485-C-T.
Other names: short protein forms A60V.
Identifiers: ClinVar variation 4806806 (VCV004806806.1).